The following is an entry in ClinVar:

NM_001448.3(GPC4):c.1555G>T (p.Ala519Ser)

Gene: GPC4 (glypican 4; minus strand). Cytogenetic location: Xq26.2.
Variant type: single nucleotide variant.
Coding change: c.1555G>T on transcript NM_001448.3 (MANE Select); coding-DNA position 1555, G replaced by T.
Protein change: p.Ala519Ser; replaces alanine 519 with serine.
Molecular consequence: missense variant.
Genome position (GRCh38, 1-based): chrX:133,302,983, C>A on the plus strand (G>T on the coding strand, the complement: GPC4 is on the minus strand). VCF-style: chrX-133302983-C-A. GRCh37 (hg19) VCF-style: chrX-132437011-C-A.
Other names: short protein forms A519S.
Identifiers: ClinVar variation 1704775 (VCV001704775.2), dbSNP rs2520390174, ClinGen allele CA414690841.

ClinVar aggregate classification (germline): Uncertain significance (1 of 4 stars; one submission).

Allele frequency attached by ClinVar (database versions not stated): gnomAD exomes below 0.00001.
gnomAD v4.1: 3 of 1,211,540 alleles (0.00025%); highest among the groups gnomAD compares: Non-Finnish European, 0.00034%; no homozygotes.

Submission:

GeneDx
Classification: Uncertain significance. Last evaluated: 2022-02-27. Review status: criteria provided, single submitter. Criteria: GeneDx Variant Classification Process June 2021. Collection method: clinical testing. Allele origin: germline. Affected: yes.
Comment: Not observed at significant frequency in large population cohorts (gnomAD); In silico analysis supports that this missense variant does not alter protein structure/function; Has not been previously published as pathogenic or benign to our knowledge; Variants in candidate genes are classified as variants of uncertain significance in accordance with ACMG guidelines (Richards et al., 2015)